The following is an entry in ClinVar:

ClinVar aggregate classification (germline): Pathogenic/Likely pathogenic. Review status: criteria provided, multiple submitters, no conflicts (2 of 4 stars). 2 submissions from 2 submitters: Pathogenic (1); Likely pathogenic (1). Last evaluated 2022-05-21.

Conditions:
Stüve-Wiedemann syndrome 1. Also called: STUVE-WIEDEMANN/SCHWARTZ-JAMPEL TYPE 2 SYNDROME. Identifiers: Orphanet 3206, MedGen C5676888, MONDO:0800043, OMIM 601559.

gnomAD v4.1: 2 of 1,614,058 alleles (0.00012%); highest among the groups gnomAD compares: South Asian, 0.0011%; no homozygotes.

Submissions (2):

Labcorp Genetics (formerly Invitae), Labcorp
Classification: Likely pathogenic. Last evaluated: 2022-05-21. Review status: criteria provided, single submitter. Criteria: Invitae Variant Classification Sherloc (09022015). Collection method: clinical testing. Allele origin: germline.
Comment: This sequence change affects a donor splice site in intron 17 of the LIFR gene. It is expected to disrupt RNA splicing. Variants that disrupt the donor or acceptor splice site typically lead to a loss of protein function (PMID: 16199547), and loss-of-function variants in LIFR are known to be pathogenic (PMID: 14740318). This variant is present in population databases (no rsID available, gnomAD 0.003%). This variant has not been reported in the literature in individuals affected with LIFR-related conditions. Algorithms developed to predict the effect of sequence changes on RNA splicing suggest that this variant may disrupt the consensus splice site. In summary, the currently available evidence indicates that the variant is pathogenic, but additional data are needed to prove that conclusively. Therefore, this variant has been classified as Likely Pathogenic.

Suma Genomics
Classification: Pathogenic for Stüve-Wiedemann syndrome 1. Review status: criteria provided, single submitter. Criteria: ACMG Guidelines, 2015. Collection method: clinical testing. Allele origin: inherited. Inheritance: Autosomal dominant inheritance. Affected: yes.

Literature cited by the submitters: PubMed 16199547 (cited by Labcorp Genetics (formerly Invitae), Labcorp); PubMed 14740318 (cited by Labcorp Genetics (formerly Invitae), Labcorp).

NM_001127671.2(LIFR):c.2497+1G>A

Gene: LIFR (LIF receptor subunit alpha; minus strand). Cytogenetic location: 5p13.1.
Variant type: single nucleotide variant.
Coding change: c.2497+1G>A on transcript NM_001127671.2 (MANE Select); the canonical splice donor site of the intron after coding-DNA position 2497, G replaced by A.
Molecular consequence: splice donor variant.
Genome position (GRCh38, 1-based): chr5:38,485,818, C>T on the plus strand (G>A on the coding strand, the complement: LIFR is on the minus strand). VCF-style: chr5-38485818-C-T. GRCh37 (hg19) VCF-style: chr5-38485920-C-T.
Other names: c.2497+1G>A (NM_002310.6, NM_001364298.2, NM_001364297.2).
Identifiers: ClinVar variation 1694459 (VCV001694459.6), dbSNP rs758055364, ClinGen allele CA359535876.